The following is an entry in ClinVar:

NM_002691.4(POLD1):c.1438C>T (p.His480Tyr)

Gene: POLD1 (DNA polymerase delta 1, catalytic subunit; plus strand). Cytogenetic location: 19q13.33.
Variant type: single nucleotide variant.
Coding change: c.1438C>T on transcript NM_002691.4 (MANE Select); coding-DNA position 1438, C replaced by T.
Protein change: p.His480Tyr; replaces histidine 480 with tyrosine.
Molecular consequence: missense variant. On other transcripts: non-coding transcript variant (1).
Genome position (GRCh38, 1-based): chr19:50,406,461, C>T. VCF-style: chr19-50406461-C-T. GRCh37 (hg19) VCF-style: chr19-50909718-C-T.
Other names: c.1438C>T, p.His480Tyr (NM_001256849.1, NM_001308632.1); c.1438C>T (NM_002691.2); short protein forms H480Y.
Identifiers: ClinVar variation 1014112 (VCV001014112.9), dbSNP rs2038887146, ClinGen allele CA406980200.

ClinVar aggregate classification (germline): Uncertain significance. Review status: criteria provided, multiple submitters, no conflicts (2 of 4 stars). 2 submissions from 2 submitters: Uncertain significance (2). Last evaluated 2024-11-14.

Conditions:
Hereditary cancer-predisposing syndrome. Also called: Tumor predisposition; Hereditary Cancer Syndrome; Hereditary neoplastic syndrome; Neoplastic Syndromes, Hereditary. Identifiers: Orphanet 140162, MedGen C0027672, MeSH D009386, MONDO:0015356.
POLD1-related polyposis and colorectal cancer syndrome (CRCS10). Also called: Colorectal cancer 10; COLORECTAL CANCER, SUSCEPTIBILITY TO, ON CHROMOSOME 19q; Colorectal cancer, susceptibility to, 10. Identifiers: Orphanet 220460, MedGen C2675481, MONDO:0012953, OMIM 612591.

Allele frequency attached by ClinVar (database versions not stated): gnomAD exomes below 0.00001.
gnomAD v4.1: 2 of 1,599,738 alleles (0.00013%); highest among the groups gnomAD compares: Non-Finnish European, 0.00017%; no homozygotes.

Submissions (2):

Ambry Genetics
Classification: Uncertain significance for Hereditary cancer-predisposing syndrome. Last evaluated: 2024-11-14. Review status: criteria provided, single submitter. Criteria: Ambry Variant Classification Scheme 2023. Collection method: clinical testing. Allele origin: germline.
Comment: The p.H480Y variant (also known as c.1438C>T), located in coding exon 11 of the POLD1 gene, results from a C to T substitution at nucleotide position 1438. The histidine at codon 480 is replaced by tyrosine, an amino acid with similar properties. This amino acid position is conserved. In addition, this alteration is predicted to be tolerated by in silico analysis. Based on the available evidence, the clinical significance of this variant remains unclear.

Labcorp Genetics (formerly Invitae), Labcorp
Classification: Uncertain significance for POLD1-related polyposis and colorectal cancer syndrome. Last evaluated: 2021-01-24. Review status: criteria provided, single submitter. Criteria: Invitae Variant Classification Sherloc (09022015). Collection method: clinical testing. Allele origin: germline.
Comment: This sequence change replaces histidine with tyrosine at codon 480 of the POLD1 protein (p.His480Tyr). The histidine residue is highly conserved and there is a moderate physicochemical difference between histidine and tyrosine. This variant is not present in population databases (ExAC no frequency). This variant has not been reported in the literature in individuals with POLD1-related conditions. Algorithms developed to predict the effect of missense changes on protein structure and function are either unavailable or do not agree on the potential impact of this missense change (SIFT: "Deleterious"; PolyPhen-2: "Probably Damaging"; Align-GVGD: "Class C0"). In summary, the available evidence is currently insufficient to determine the role of this variant in disease. Therefore, it has been classified as a Variant of Uncertain Significance.